The following is an entry in ClinVar:

ClinVar aggregate classification (germline): Benign (1 of 4 stars; one submission).

Conditions:
Xeroderma pigmentosum variant type. Also called: POLH-Related Xeroderma Pigmentosum; PHOTOSENSITIVITY WITH DEFECTIVE DNA SYNTHESIS; XERODERMA PIGMENTOSUM WITH NORMAL DNA REPAIR RATES. Identifiers: Orphanet 90342, MedGen C1848410, MONDO:0010214, OMIM 278750.

Allele frequency attached by ClinVar (database versions not stated): 1000 Genomes Project 0.00459; gnomAD 0.00499 and 0.00525; 1000 Genomes Project 30x 0.00547; TOPMed 0.00588.
gnomAD v4.1: 747 of 151,904 alleles (0.49%); highest among the groups gnomAD compares: African/African-American, 1.6%; 5 homozygotes.

Submission:

Illumina Laboratory Services, Illumina
Classification: Benign for Xeroderma pigmentosum variant type. Last evaluated: 2018-01-13. Review status: criteria provided, single submitter. Criteria: ICSL Variant Classification Criteria 13 December 2019. Collection method: clinical testing. Allele origin: germline.
Comment: This variant was observed in the ICSL laboratory as part of a predisposition screen in an ostensibly healthy population. It had not been previously curated by ICSL or reported in the Human Gene Mutation Database (HGMD: prior to June 1st, 2018), and was therefore a candidate for classification through an automated scoring system. Utilizing variant allele frequency, disease prevalence and penetrance estimates, and inheritance mode, an automated score was calculated to assess if this variant is too frequent to cause the disease. Based on the score and internal cut-off values, a variant classified as benign is not then subjected to further curation. The score for this variant resulted in a classification of benign for this disease.

NM_006502.3(POLH):c.*1549C>T

Gene: POLH (DNA polymerase eta; plus strand). Cytogenetic location: 6p21.1.
Variant type: single nucleotide variant.
Coding change: c.*1549C>T on transcript NM_006502.3 (MANE Select); 1549 bases downstream of the stop codon, C replaced by T.
Molecular consequence: 3 prime UTR variant.
Genome position (GRCh38, 1-based): chr6:43,616,106, C>T. VCF-style: chr6-43616106-C-T. GRCh37 (hg19) VCF-style: chr6-43583843-C-T.
Other names: c.*1549C>T (NM_001291969.2); c.*2375C>T (NM_001291970.2).
Identifiers: ClinVar variation 356942 (VCV000356942.7), dbSNP rs186059509, ClinGen allele CA10622171.